The following is an entry in ClinVar:

NM_001776.6(ENTPD1):c.1333G>C (p.Gly445Arg)

Genes: ENTPD1 (ectonucleoside triphosphate diphosphohydrolase 1; plus strand), ENTPD1-AS1 (ENTPD1 antisense RNA 1; minus strand). Cytogenetic location: 10q24.1.
Variant type: single nucleotide variant.
Coding change: c.1333G>C on transcript NM_001776.6 (MANE Select); coding-DNA position 1333, G replaced by C.
Protein change: p.Gly445Arg; replaces glycine 445 with arginine.
Molecular consequence: missense variant. On other transcripts: intron variant (1).
Genome position (GRCh38, 1-based): chr10:95,866,183, G>C. VCF-style: chr10-95866183-G-C. GRCh37 (hg19) VCF-style: chr10-97625940-G-C.
Other names: c.1354G>C, p.Gly452Arg (NM_001098175.2); c.1369G>C, p.Gly457Arg (NM_001164178.1); c.1210G>C, p.Gly404Arg (NM_001164179.2); c.1009G>C, p.Gly337Arg (NM_001164181.1, NM_001312654.1); c.919G>C, p.Gly307Arg (NM_001164182.2, NM_001164183.2); c.1362+1322G>C (NM_001320916.1); short protein forms G452R, G445R, G404R, G457R, G307R, G337R.
Identifiers: ClinVar variation 541701 (VCV000541701.10), dbSNP rs145994698, ClinGen allele CA5621636.

ClinVar aggregate classification (germline): Uncertain significance. Review status: criteria provided, multiple submitters, no conflicts (2 of 4 stars). 3 submissions from 3 submitters: Uncertain significance (3). Last evaluated 2022-08-16.

Conditions:
Hereditary spastic paraplegia. Also called: Familial spastic paraparesis. Identifiers: Orphanet 685, MedGen C0037773, MONDO:0019064. Disease mechanism: loss of function.
Hereditary spastic paraplegia 64. Also called: ENTPD1-Related Neurodevelopmental Disorder; Spastic paraplegia 64, autosomal recessive. Identifiers: Orphanet 401810, MedGen C3810289, MONDO:0014303, OMIM 615683.

Allele frequency attached by ClinVar (database versions not stated): gnomAD exomes 0.00085 and 0.00044; 1000 Genomes Project 30x 0.00016; 1000 Genomes Project 0.00020; TOPMed 0.00040; ESP Exome Variant Server 0.00046; gnomAD 0.00046 and 0.00048; ExAC 0.00049.
gnomAD v4.1: 1,283 of 1,613,434 alleles (0.08%); highest among the groups gnomAD compares: Non-Finnish European, 0.1%; no homozygotes.

Submissions (3):

Labcorp Genetics (formerly Invitae), Labcorp
Classification: Uncertain significance for Hereditary spastic paraplegia 64. Last evaluated: 2022-08-16. Review status: criteria provided, single submitter. Criteria: Invitae Variant Classification Sherloc (09022015). Collection method: clinical testing. Allele origin: germline.
Comment: This sequence change replaces glycine, which is neutral and non-polar, with arginine, which is basic and polar, at codon 445 of the ENTPD1 protein (p.Gly445Arg). This variant is present in population databases (rs145994698, gnomAD 0.08%), and has an allele count higher than expected for a pathogenic variant. This variant has not been reported in the literature in individuals affected with ENTPD1-related conditions. ClinVar contains an entry for this variant (Variation ID: 541701). Algorithms developed to predict the effect of missense changes on protein structure and function (SIFT, PolyPhen-2, Align-GVGD) all suggest that this variant is likely to be tolerated. Algorithms developed to predict the effect of sequence changes on RNA splicing suggest that this variant may create or strengthen a splice site. In summary, the available evidence is currently insufficient to determine the role of this variant in disease. Therefore, it has been classified as a Variant of Uncertain Significance.

Genome Diagnostics Laboratory, The Hospital for Sick Children
Classification: Uncertain significance for Hereditary spastic paraplegia. Last evaluated: 2022-01-17. Review status: criteria provided, single submitter. Criteria: ACMG Guidelines, 2015. Collection method: clinical testing. Allele origin: germline. Affected: yes.

Breakthrough Genomics
Classification: Uncertain significance. Review status: criteria provided, single submitter. Criteria: ACMG Guidelines, 2015. Collection method: not provided. Allele origin: germline. Inheritance: Autosomal recessive inheritance. Affected: yes.